The following is an entry in ClinVar:

ClinVar aggregate classification (germline): Likely benign. Review status: criteria provided, multiple submitters, no conflicts (2 of 4 stars). 3 submissions from 3 submitters: Likely benign (3). Last evaluated 2025-12-29.

Conditions:
Pseudohypoaldosteronism type 2B (PHA2B). Also called: Pseudohypoaldosteronism Type IIB. Identifiers: Orphanet 757, Orphanet 88939, MedGen C1840390, MONDO:0013777, OMIM 614491.

Allele frequency attached by ClinVar (database versions not stated): TOPMed 0.00007; 1000 Genomes Project 0.00020; 1000 Genomes Project 30x 0.00031.
gnomAD v4.1: 265 of 1,607,268 alleles (0.016%); highest among the groups gnomAD compares: Non-Finnish European, 0.022%; no homozygotes.

Submissions (3):

Labcorp Genetics (formerly Invitae), Labcorp
Classification: Likely benign. Last evaluated: 2025-12-29. Review status: criteria provided, single submitter. Criteria: Invitae Variant Classification Sherloc (09022015). Collection method: clinical testing. Allele origin: germline.

Fulgent Genetics
Classification: Likely benign for Pseudohypoaldosteronism type 2B. Last evaluated: 2022-02-11. Review status: criteria provided, single submitter. Criteria: ACMG Guidelines, 2015. Collection method: clinical testing. Allele origin: unknown.

Illumina Laboratory Services, Illumina
Classification: Likely benign for Pseudohypoaldosteronism type 2B. Last evaluated: 2018-01-12. Review status: criteria provided, single submitter. Criteria: ICSL Variant Classification Criteria 13 December 2019. Collection method: clinical testing. Allele origin: germline.
Comment: This variant was observed in the ICSL laboratory as part of a predisposition screen in an ostensibly healthy population. It had not been previously curated by ICSL or reported in the Human Gene Mutation Database (HGMD: prior to June 1st, 2018), and was therefore a candidate for classification through an automated scoring system. Utilizing variant allele frequency, disease prevalence and penetrance estimates, and inheritance mode, an automated score was calculated to assess if this variant is too frequent to cause the disease. Based on the score and internal cut-off values, a variant classified as likely benign is not then subjected to further curation. The score for this variant resulted in a classification of likely benign for this disease.

NM_032387.5(WNK4):c.204G>A (p.Gly68=)

Gene: WNK4 (WNK lysine deficient protein kinase 4; plus strand). Cytogenetic location: 17q21.2.
Variant type: single nucleotide variant.
Coding change: c.204G>A on transcript NM_032387.5 (MANE Select); coding-DNA position 204, G replaced by A.
Protein change: p.Gly68=; no amino-acid change (glycine 68 retained).
Molecular consequence: synonymous variant. On other transcripts: 5 prime UTR variant (1).
Genome position (GRCh38, 1-based): chr17:42,780,902, G>A. VCF-style: chr17-42780902-G-A. GRCh37 (hg19) VCF-style: chr17-40932920-G-A.
Other names: c.-716G>A (NM_001321299.2).
Identifiers: ClinVar variation 889958 (VCV000889958.6), dbSNP rs200209645, ClinGen allele CA8583635.
Genomic context (GRCh38, chr17:42,780,902, plus strand): 5'-GAAGGCTGAGCCCCGGCCGCGCTCTTCTCGTCTCAGCCGCCGTAGCTCAGTCGACTTGGG[G>A]CTGCTGAGCTCTTGGTCCCTGCCAGCCTCACCCGCTCCGGACCCCCCCGATCCTCCGGAC-3'
Protein context (NP_115763.2, residues 58-78): RLSRRSSVDL[Gly68=]LLSSWSLPAS